The following is an entry in ClinVar:

ClinVar aggregate classification (germline): Uncertain significance. Review status: criteria provided, multiple submitters, no conflicts (2 of 4 stars). 2 submissions from 2 submitters: Uncertain significance (2). Last evaluated 2025-12-24.

Allele frequency attached by ClinVar (database versions not stated): gnomAD 0.00024; ESP Exome Variant Server 0.00031; TOPMed 0.00036; ExAC 0.00043; 1000 Genomes Project 30x 0.00047; gnomAD exomes 0.00050; 1000 Genomes Project 0.00060.

Submissions (2):

Labcorp Genetics (formerly Invitae), Labcorp
Classification: Uncertain significance. Last evaluated: 2025-12-24. Review status: criteria provided, single submitter. Criteria: Invitae Variant Classification Sherloc (09022015). Collection method: clinical testing. Allele origin: germline.
Comment: This sequence change replaces asparagine, which is neutral and polar, with serine, which is neutral and polar, at codon 3 of the RRAGA protein (p.Asn3Ser). This variant is present in population databases (rs145113359, gnomAD 0.05%), and has an allele count higher than expected for a pathogenic variant. This variant has not been reported in the literature in individuals affected with RRAGA-related conditions. ClinVar contains an entry for this variant (Variation ID: 2343163). An algorithm developed to predict the effect of missense changes on protein structure and function (PolyPhen-2) suggests that this variant is likely to be tolerated. In summary, the available evidence is currently insufficient to determine the role of this variant in disease. Therefore, it has been classified as a Variant of Uncertain Significance.

Ambry Genetics
Classification: Uncertain significance. Last evaluated: 2025-08-26. Review status: criteria provided, single submitter. Criteria: Ambry Variant Classification Scheme 2023. Collection method: clinical testing. Allele origin: germline.

NM_006570.5(RRAGA):c.8A>G (p.Asn3Ser)

Gene: RRAGA (Ras related GTP binding A; plus strand). Cytogenetic location: 9p22.1.
Variant type: single nucleotide variant.
Coding change: c.8A>G on transcript NM_006570.5 (MANE Select); coding-DNA position 8, A replaced by G.
Protein change: p.Asn3Ser; replaces asparagine 3 with serine.
Molecular consequence: missense variant.
Genome position (GRCh38, 1-based): chr9:19,049,667, A>G. VCF-style: chr9-19049667-A-G. GRCh37 (hg19) VCF-style: chr9-19049665-A-G.
Other names: short protein forms N3S.
Identifiers: ClinVar variation 2343163 (VCV002343163.4), dbSNP rs145113359, ClinGen allele CA5000949.